The following is an entry in ClinVar:

NM_003801.4(GPAA1):c.1219G>A (p.Gly407Arg)

Gene: GPAA1 (glycosylphosphatidylinositol anchor attachment 1; plus strand). Cytogenetic location: 8q24.3.
Variant type: single nucleotide variant.
Coding change: c.1219G>A on transcript NM_003801.4 (MANE Select); coding-DNA position 1219, G replaced by A.
Protein change: p.Gly407Arg; replaces glycine 407 with arginine.
Molecular consequence: missense variant.
Genome position (GRCh38, 1-based): chr8:144,085,097, G>A. VCF-style: chr8-144085097-G-A. GRCh37 (hg19) VCF-style: chr8-145140000-G-A.
Other names: short protein forms G407R.
Identifiers: ClinVar variation 1899231 (VCV001899231.2), dbSNP rs782281657, ClinGen allele CA4933096.

ClinVar aggregate classification (germline): Uncertain significance (1 of 4 stars; one submission).

Allele frequency attached by ClinVar (database versions not stated): gnomAD 0.00001; TOPMed 0.00003; ExAC 0.00005.

Submission:

Labcorp Genetics (formerly Invitae), Labcorp
Classification: Uncertain significance. Last evaluated: 2022-08-09. Review status: criteria provided, single submitter. Criteria: Invitae Variant Classification Sherloc (09022015). Collection method: clinical testing. Allele origin: germline.
Comment: This sequence change replaces glycine, which is neutral and non-polar, with arginine, which is basic and polar, at codon 407 of the GPAA1 protein (p.Gly407Arg). This variant is present in population databases (rs782281657, gnomAD 0.05%). This variant has not been reported in the literature in individuals affected with GPAA1-related conditions. Algorithms developed to predict the effect of missense changes on protein structure and function output the following: SIFT: "Deleterious"; PolyPhen-2: "Benign"; Align-GVGD: "Class C0". The arginine amino acid residue is found in multiple mammalian species, which suggests that this missense change does not adversely affect protein function. In summary, the available evidence is currently insufficient to determine the role of this variant in disease. Therefore, it has been classified as a Variant of Uncertain Significance.